The following is an entry in ClinVar:

ClinVar aggregate classification (germline): Uncertain significance. Review status: criteria provided, multiple submitters, no conflicts (2 of 4 stars). 2 submissions from 2 submitters: Uncertain significance (2). Last evaluated 2025-08-09.

Conditions:
Inborn genetic diseases. Identifiers: MedGen C0950123, MeSH D030342.
Autosomal dominant Parkinson disease 8. Also called: LRRK2-Related Parkinson Disease; Parkinson disease 8; Parkinson disease 8, susceptibility to. Identifiers: Orphanet 411602, MedGen C1846862, MONDO:0011764, OMIM 607060.

Allele frequency attached by ClinVar (database versions not stated): gnomAD 0.00001; TOPMed 0.00001; ESP Exome Variant Server 0.00008.
gnomAD v4.1: 1 of 1,613,252 alleles (0.000062%); highest among the groups gnomAD compares: Non-Finnish European, 0.000085%; no homozygotes.

Submissions (2):

Labcorp Genetics (formerly Invitae), Labcorp
Classification: Uncertain significance for Autosomal dominant Parkinson disease 8. Last evaluated: 2025-08-09. Review status: criteria provided, single submitter. Criteria: Invitae Variant Classification Sherloc (09022015). Collection method: clinical testing. Allele origin: germline.
Comment: This sequence change replaces glutamine, which is neutral and polar, with glutamic acid, which is acidic and polar, at codon 1779 of the LRRK2 protein (p.Gln1779Glu). This variant is present in population databases (rs370053016, gnomAD 0.0009%). This variant has not been reported in the literature in individuals affected with LRRK2-related conditions. ClinVar contains an entry for this variant (Variation ID: 2489779). Invitae Evidence Modeling of protein sequence and biophysical properties (such as structural, functional, and spatial information, amino acid conservation, physicochemical variation, residue mobility, and thermodynamic stability) has been performed for this missense variant. However, the output from this modeling did not meet the statistical confidence thresholds required to predict the impact of this variant on LRRK2 protein function. In summary, the available evidence is currently insufficient to determine the role of this variant in disease. Therefore, it has been classified as a Variant of Uncertain Significance.

Ambry Genetics
Classification: Uncertain significance for Inborn genetic diseases. Last evaluated: 2023-02-28. Review status: criteria provided, single submitter. Criteria: Ambry Variant Classification Scheme 2023. Collection method: clinical testing. Allele origin: germline.
Comment: The p.Q1779E variant (also known as c.5335C>G), located in coding exon 37 of the LRRK2 gene, results from a C to G substitution at nucleotide position 5335. The glutamine at codon 1779 is replaced by glutamic acid, an amino acid with highly similar properties. This amino acid position is conserved. In addition, this alteration is predicted to be tolerated by in silico analysis. Since supporting evidence is limited at this time, the clinical significance of this alteration remains unclear.

NM_198578.4(LRRK2):c.5335C>G (p.Gln1779Glu)

Gene: LRRK2 (leucine rich repeat kinase 2; plus strand). Cytogenetic location: 12q12.
Variant type: single nucleotide variant.
Coding change: c.5335C>G on transcript NM_198578.4 (MANE Select); coding-DNA position 5335, C replaced by G.
Protein change: p.Gln1779Glu; replaces glutamine 1779 with glutamic acid.
Molecular consequence: missense variant.
Genome position (GRCh38, 1-based): chr12:40,322,336, C>G. VCF-style: chr12-40322336-C-G. GRCh37 (hg19) VCF-style: chr12-40716138-C-G.
Other names: short protein forms Q1779E.
Identifiers: ClinVar variation 2489779 (VCV002489779.3), dbSNP rs370053016, ClinGen allele CA235363182.
Genomic context (GRCh38, chr12:40,322,336, plus strand): 5'-TGAGGTTTAGACAAGGTGTTGAGCTCTGTTTTGAATCATGTAGGCTGTATTCTTTTGGGC[C>G]AAGTTGTGGACCACATTGATTCTCTCATGGAAGAATGGTTTCCTGGGTTGCTGGAGATTG-3'
Protein context (NP_940980.4, residues 1769-1789): SCRKGCILLG[Gln1779Glu]VVDHIDSLME